The following is an entry in ClinVar:

ClinVar aggregate classification (germline): Uncertain significance. Review status: criteria provided, multiple submitters, no conflicts (2 of 4 stars). 2 submissions from 2 submitters: Uncertain significance (2). Last evaluated 2022-12-23.

Conditions:
Dyskeratosis congenita, autosomal dominant 2. Identifiers: MedGen C3151443, MONDO:0013521, OMIM 613989.
Idiopathic Pulmonary Fibrosis. Also called: Idiopathic fibrosing alveolitis, chronic form; idiopathic fibrosing alveolitis. Identifiers: Orphanet 2032, MedGen C1800706, MeSH D054990, MONDO:0800504.
Dyskeratosis congenita. Identifiers: Orphanet 1775, MedGen C0265965, MONDO:0015780.

Allele frequency attached by ClinVar (database versions not stated): TOPMed below 0.00001; gnomAD 0.00001.

Submissions (2):

Ambry Genetics
Classification: Uncertain significance for Dyskeratosis congenita. Last evaluated: 2022-12-23. Review status: criteria provided, single submitter. Criteria: Ambry Variant Classification Scheme 2023. Collection method: clinical testing. Allele origin: germline.
Comment: The p.C403S variant (also known as c.1208G>C), located in coding exon 2 of the TERT gene, results from a G to C substitution at nucleotide position 1208. The cysteine at codon 403 is replaced by serine, an amino acid with dissimilar properties. This amino acid position is conserved. In addition, this alteration is predicted to be deleterious by in silico analysis. Since supporting evidence is limited at this time, the clinical significance of this alteration remains unclear.

Labcorp Genetics (formerly Invitae), Labcorp
Classification: Uncertain significance for Dyskeratosis congenita, autosomal dominant 2; Idiopathic Pulmonary Fibrosis. Last evaluated: 2020-12-12. Review status: criteria provided, single submitter. Criteria: Invitae Variant Classification Sherloc (09022015). Collection method: clinical testing. Allele origin: germline.
Comment: Advanced modeling of protein sequence and biophysical properties (such as structural, functional, and spatial information, amino acid conservation, physicochemical variation, residue mobility, and thermodynamic stability) performed at Invitae indicates that this missense variant is expected to disrupt TERT protein function. In summary, the available evidence is currently insufficient to determine the role of this variant in disease. Therefore, it has been classified as a Variant of Uncertain Significance. This sequence change replaces cysteine with serine at codon 403 of the TERT protein (p.Cys403Ser). The cysteine residue is highly conserved and there is a moderate physicochemical difference between cysteine and serine. This variant is not present in population databases (ExAC no frequency). This variant has not been reported in the literature in individuals with TERT-related conditions.

NM_198253.3(TERT):c.1208G>C (p.Cys403Ser)

Gene: TERT (telomerase reverse transcriptase; minus strand). Cytogenetic location: 5p15.33.
Variant type: single nucleotide variant.
Coding change: c.1208G>C on transcript NM_198253.3 (MANE Select); coding-DNA position 1208, G replaced by C.
Protein change: p.Cys403Ser; replaces cysteine 403 with serine.
Molecular consequence: missense variant. On other transcripts: non-coding transcript variant (2).
Genome position (GRCh38, 1-based): chr5:1,293,678, C>G on the plus strand (G>C on the coding strand, the complement: TERT is on the minus strand). VCF-style: chr5-1293678-C-G. GRCh37 (hg19) VCF-style: chr5-1293793-C-G.
Other names: c.1208G>C, p.Cys403Ser (NM_001193376.3); c.1208G>C (NM_198253.2); short protein forms C403S.
Identifiers: ClinVar variation 1427021 (VCV001427021.9), dbSNP rs767558514, ClinGen allele CA359086538.